The following is an entry in ClinVar:

NM_015331.3(NCSTN):c.191-7C>G

Gene: NCSTN (nicastrin; plus strand). Cytogenetic location: 1q23.2.
Variant type: single nucleotide variant.
Coding change: c.191-7C>G on transcript NM_015331.3 (MANE Select); 7 bases into the intron before coding-DNA position 191, C replaced by G.
Molecular consequence: intron variant.
Genome position (GRCh38, 1-based): chr1:160,348,992, C>G. VCF-style: chr1-160348992-C-G. GRCh37 (hg19) VCF-style: chr1-160318782-C-G.
Other names: c.131-7C>G (NM_001290184.2); c.191-7C>G (NM_001349729.2, NM_001290186.2).
Identifiers: ClinVar variation 2105255 (VCV002105255.4), dbSNP rs1335369401, ClinGen allele CA526601232.

ClinVar aggregate classification (germline): Uncertain significance (1 of 4 stars; one submission).

Allele frequency attached by ClinVar (database versions not stated): TOPMed below 0.00001; gnomAD exomes 0.00001.
gnomAD v4.1: 4 of 1,614,156 alleles (0.00025%); highest among the groups gnomAD compares: Non-Finnish European, 0.00025%; no homozygotes.

Submission:

Labcorp Genetics (formerly Invitae), Labcorp
Classification: Uncertain significance. Last evaluated: 2022-10-13. Review status: criteria provided, single submitter. Criteria: Invitae Variant Classification Sherloc (09022015). Collection method: clinical testing. Allele origin: germline.
Comment: This sequence change falls in intron 2 of the NCSTN gene. It does not directly change the encoded amino acid sequence of the NCSTN protein. In summary, the available evidence is currently insufficient to determine the role of this variant in disease. Therefore, it has been classified as a Variant of Uncertain Significance. Algorithms developed to predict the effect of sequence changes on RNA splicing suggest that this variant may disrupt the consensus splice site. This variant has not been reported in the literature in individuals affected with NCSTN-related conditions. This variant is present in population databases (no rsID available, gnomAD no frequency).